The following is an entry in ClinVar:

NM_024334.3(TMEM43):c.332C>A (p.Pro111Gln)

Gene: TMEM43 (transmembrane protein 43; plus strand). Cytogenetic location: 3p25.1.
Variant type: single nucleotide variant.
Coding change: c.332C>A on transcript NM_024334.3 (MANE Select); coding-DNA position 332, C replaced by A.
Protein change: p.Pro111Gln; replaces proline 111 with glutamine.
Molecular consequence: missense variant.
Genome position (GRCh38, 1-based): chr3:14,131,614, C>A. VCF-style: chr3-14131614-C-A. GRCh37 (hg19) VCF-style: chr3-14173114-C-A.
Other names: short protein forms P111Q.
Identifiers: ClinVar variation 1516992 (VCV001516992.8), dbSNP rs765816901, ClinGen allele CA351534829.

ClinVar aggregate classification (germline): Uncertain significance (1 of 4 stars; one submission).

Conditions:
Arrhythmogenic right ventricular dysplasia 5. Also called: Arrhythmogenic Right Ventricular Dysplasia/Cardiomyopathy 5; ARRHYTHMOGENIC RIGHT VENTRICULAR DYSPLASIA, FAMILIAL, 5. Identifiers: MedGen C1858379, MONDO:0011459, OMIM 604400.

Submission:

Labcorp Genetics (formerly Invitae), Labcorp
Classification: Uncertain significance for Arrhythmogenic right ventricular dysplasia 5. Last evaluated: 2021-05-19. Review status: criteria provided, single submitter. Criteria: Invitae Variant Classification Sherloc (09022015). Collection method: clinical testing. Allele origin: germline.
Comment: Algorithms developed to predict the effect of sequence changes on RNA splicing suggest that this variant may create or strengthen a splice site, but this prediction has not been confirmed by published transcriptional studies. In summary, the available evidence is currently insufficient to determine the role of this variant in disease. Therefore, it has been classified as a Variant of Uncertain Significance. Algorithms developed to predict the effect of missense changes on protein structure and function (SIFT, PolyPhen-2, Align-GVGD) all suggest that this variant is likely to be tolerated, but these predictions have not been confirmed by published functional studies and their clinical significance is uncertain. This variant has not been reported in the literature in individuals with TMEM43-related conditions. This variant is not present in population databases (ExAC no frequency). This sequence change replaces proline with glutamine at codon 111 of the TMEM43 protein (p.Pro111Gln). The proline residue is weakly conserved and there is a moderate physicochemical difference between proline and glutamine.